The following is an entry in ClinVar:

ClinVar aggregate classification (germline): Uncertain significance (1 of 4 stars; one submission).

Allele frequency attached by ClinVar (database versions not stated): gnomAD exomes below 0.00001.
gnomAD v4.1: 1 of 1,613,532 alleles (0.000062%); highest among the groups gnomAD compares: Admixed American, 0.0017%; no homozygotes.

Submission:

Labcorp Genetics (formerly Invitae), Labcorp
Classification: Uncertain significance. Last evaluated: 2022-09-13. Review status: criteria provided, single submitter. Criteria: Invitae Variant Classification Sherloc (09022015). Collection method: clinical testing. Allele origin: germline.
Comment: This sequence change replaces leucine, which is neutral and non-polar, with proline, which is neutral and non-polar, at codon 1056 of the MICAL1 protein (p.Leu1056Pro). This variant is present in population databases (no rsID available, gnomAD 0.003%). This variant has not been reported in the literature in individuals affected with MICAL1-related conditions. Algorithms developed to predict the effect of missense changes on protein structure and function are either unavailable or do not agree on the potential impact of this missense change (SIFT: "Deleterious"; PolyPhen-2: "Probably Damaging"; Align-GVGD: "Class C0"). In summary, the available evidence is currently insufficient to determine the role of this variant in disease. Therefore, it has been classified as a Variant of Uncertain Significance.

NM_022765.4(MICAL1):c.3110T>C (p.Leu1037Pro)

Gene: MICAL1 (microtubule associated monooxygenase, calponin and LIM domain containing 1; minus strand). Cytogenetic location: 6q21.
Variant type: single nucleotide variant.
Coding change: c.3110T>C on transcript NM_022765.4 (MANE Select); coding-DNA position 3110, T replaced by C.
Protein change: p.Leu1037Pro; replaces leucine 1037 with proline.
Molecular consequence: missense variant.
Genome position (GRCh38, 1-based): chr6:109,444,285, A>G on the plus strand (T>C on the coding strand, the complement: MICAL1 is on the minus strand). VCF-style: chr6-109444285-A-G. GRCh37 (hg19) VCF-style: chr6-109765488-A-G.
Other names: c.2852T>C, p.Leu951Pro (NM_001159291.2); c.3167T>C, p.Leu1056Pro (NM_001286613.2); short protein forms L1037P, L1056P, L951P.
Identifiers: ClinVar variation 1941968 (VCV001941968.5), dbSNP rs1167882969, ClinGen allele CA365219095.